The following is an entry in ClinVar:

ClinVar aggregate classification (germline): Uncertain significance. Review status: criteria provided, multiple submitters, no conflicts (2 of 4 stars). 2 submissions from 2 submitters: Uncertain significance (2). Last evaluated 2022-10-18.

Conditions:
Epidermodysplasia verruciformis. Identifiers: Orphanet 302, MedGen C0014522, MONDO:0009176.

Allele frequency attached by ClinVar (database versions not stated): gnomAD 0.00003; gnomAD exomes 0.00003 and 0.00006; TOPMed 0.00003; ExAC 0.00006.
gnomAD v4.1: 55 of 1,606,804 alleles (0.0034%); highest among the groups gnomAD compares: Admixed American, 0.0067%; no homozygotes.

Submissions (2):

Labcorp Genetics (formerly Invitae), Labcorp
Classification: Uncertain significance for Epidermodysplasia verruciformis. Last evaluated: 2022-10-18. Review status: criteria provided, single submitter. Criteria: Invitae Variant Classification Sherloc (09022015). Collection method: clinical testing. Allele origin: germline.
Comment: This sequence change replaces valine, which is neutral and non-polar, with isoleucine, which is neutral and non-polar, at codon 672 of the TMC6 protein (p.Val672Ile). This variant is present in population databases (rs760800225, gnomAD 0.08%). This variant has not been reported in the literature in individuals affected with TMC6-related conditions. ClinVar contains an entry for this variant (Variation ID: 1347906). Algorithms developed to predict the effect of missense changes on protein structure and function output the following: SIFT: "Not Available"; PolyPhen-2: "Benign"; Align-GVGD: "Not Available". The isoleucine amino acid residue is found in multiple mammalian species, which suggests that this missense change does not adversely affect protein function. In summary, the available evidence is currently insufficient to determine the role of this variant in disease. Therefore, it has been classified as a Variant of Uncertain Significance.

Breakthrough Genomics
Classification: Uncertain significance. Review status: criteria provided, single submitter. Criteria: ACMG Guidelines, 2015. Collection method: not provided. Allele origin: germline. Inheritance: Autosomal recessive inheritance. Affected: yes.

NM_001127198.5(TMC6):c.2014G>A (p.Val672Ile)

Gene: TMC6 (transmembrane channel like 6; minus strand). Cytogenetic location: 17q25.3.
Variant type: single nucleotide variant.
Coding change: c.2014G>A on transcript NM_001127198.5 (MANE Select); coding-DNA position 2014, G replaced by A.
Protein change: p.Val672Ile; replaces valine 672 with isoleucine.
Molecular consequence: missense variant. On other transcripts: non-coding transcript variant (4).
Genome position (GRCh38, 1-based): chr17:78,117,809, C>T on the plus strand (G>A on the coding strand, the complement: TMC6 is on the minus strand). VCF-style: chr17-78117809-C-T. GRCh37 (hg19) VCF-style: chr17-76113890-C-T.
Other names: c.2014G>A, p.Val672Ile (NM_001321185.1, NM_001374596.1, NM_001375353.1 and 2 more transcripts); c.1834G>A, p.Val612Ile (NM_001374593.1, NM_001374594.1); short protein forms V612I, V672I.
Identifiers: ClinVar variation 1347906 (VCV001347906.6), dbSNP rs760800225, ClinGen allele CA8795472.
Genomic context (GRCh38, chr17:78,117,809, plus strand): 5'-CCACCCAACCCCCAGATGACACAGAAGGGTCTCCCTCCACCCGCCCCACTCACTGCCAGA[C>T]GGCGTAGCAGAGGAAGACAGCGGCGCCCAGGAAGGCGGGGAAGCAGAGCAGCGTGAGGAA-3'
Protein context (NP_001120670.1, residues 662-682): LGAAVFLCYA[Val672Ile]WQVKPSSTCG